The following is an entry in ClinVar:

ClinVar aggregate classification (germline): Pathogenic (1 of 4 stars; one submission).

Submission:

Centre of Medical Genetics, University Hospital Muenster
Classification: Pathogenic. Last evaluated: 2021-12-15. Review status: criteria provided, single submitter. Criteria: ACMG Guidelines, 2015. Collection method: clinical testing. Allele origin: unknown. Affected: yes. Observed: 1 variant allele, 1 heterozygote.
Comment: ACMG categories: PVS1,PM2,PP3

NM_033380.3(COL4A5):c.2103_2104insATTG (p.Gly702fs)

Gene: COL4A5 (collagen type IV alpha 5 chain; plus strand). Cytogenetic location: Xq22.3.
Variant type: Insertion.
Coding change: c.2103_2104insATTG on transcript NM_033380.3 (MANE Select); coding-DNA positions 2103 to 2104, ATTG inserted.
Protein change: p.Gly702fs; shifts the reading frame from glycine 702.
Molecular consequence: frameshift variant.
Genome position: GRCh38 VCF-style: chrX-108601946-A-AATTG. GRCh37 (hg19) VCF-style: chrX-107845176-A-AATTG.
Other names: c.2103_2104insATTG, p.Gly702fs (NM_000495.5); short protein forms G702fs.
Identifiers: ClinVar variation 1708282 (VCV001708282.3), dbSNP rs2524328750, ClinGen allele CA2580100318.
Genomic context (GRCh38, chrX:108,601,946, plus strand): 5'-TGACCCTGGACTTCCAGGGCAACCAGGCTTGCCAGGGATACCTGGTAGCAAAGGAGAACC[A>AATTG]GGTATCCCTGGAATTGGGCTTCCTGGACCACCTGGTCCCAAAGGTATGTTGGAATGGGTA-3'